The following is an entry in ClinVar:

NM_001253697.2(ERBIN):c.3169T>G (p.Trp1057Gly)

Gene: ERBIN (erbb2 interacting protein; plus strand). Cytogenetic location: 5q12.3.
Variant type: single nucleotide variant.
Coding change: c.3169T>G on transcript NM_001253697.2 (MANE Select); coding-DNA position 3169, T replaced by G.
Protein change: p.Trp1057Gly; replaces tryptophan 1057 with glycine.
Molecular consequence: missense variant.
Genome position (GRCh38, 1-based): chr5:66,054,487, T>G. VCF-style: chr5-66054487-T-G. GRCh37 (hg19) VCF-style: chr5-65350315-T-G.
Other names: c.3169T>G, p.Trp1057Gly (NM_001006600.3, NM_001253698.2, NM_001253699.2 and 1 more transcripts); c.3157T>G, p.Trp1053Gly (NM_001253701.2); short protein forms W1053G, W1057G.
Identifiers: ClinVar variation 3730179 (VCV003730179.2).
Genomic context (GRCh38, chr5:66,054,487, plus strand): 5'-CGAGCTAATACTGCATACCATTTACATCAGAGACTTGGCCCAGCAAGACATGGGGAAATG[T>G]GGGCCATCTCACCAAACGACCGACTTATTCCTGCAGTAACTCGAAGTACAATCCAGCGAC-3'
Protein context (NP_001240626.1, residues 1047-1067): RLGPARHGEM[Trp1057Gly]AISPNDRLIP

ClinVar aggregate classification (germline): Uncertain significance (1 of 4 stars; one submission).

Submission:

Labcorp Genetics (formerly Invitae), Labcorp
Classification: Uncertain significance. Last evaluated: 2024-09-10. Review status: criteria provided, single submitter. Criteria: Invitae Variant Classification Sherloc (09022015). Collection method: clinical testing. Allele origin: germline.
Comment: This sequence change replaces tryptophan, which is neutral and slightly polar, with glycine, which is neutral and non-polar, at codon 1057 of the ERBIN protein (p.Trp1057Gly). This variant is not present in population databases (gnomAD no frequency). This variant has not been reported in the literature in individuals affected with ERBIN-related conditions. An algorithm developed to predict the effect of missense changes on protein structure and function (PolyPhen-2) suggests that this variant is likely to be disruptive. In summary, the available evidence is currently insufficient to determine the role of this variant in disease. Therefore, it has been classified as a Variant of Uncertain Significance.